The following is an entry in ClinVar:

ClinVar aggregate classification (germline): Uncertain significance (1 of 4 stars; one submission).

Submission:

Dasa
Classification: Uncertain significance. Last evaluated: 2025-07-04. Review status: criteria provided, single submitter. Criteria: DASA Assertion Criteria. Collection method: clinical testing. Allele origin: germline.
Comment: NM_006047.6(RBM12):c.1747C>T (p.Gln583*) is a nonsense variant in RBM12 predicted to introduce a premature termination codon. This variant is absent from population databases. The currently available literature and clinical evidence are not sufficient to establish a definitive association between this variant and the reported condition. Therefore, this variant is classified as a variant of uncertain significance.

NM_006047.6(RBM12):c.1747C>T (p.Gln583Ter)

Genes: CPNE1 (copine 1; minus strand), RBM12 (RNA binding motif protein 12; minus strand). Cytogenetic location: 20q11.22.
Variant type: single nucleotide variant.
Coding change: c.1747C>T on transcript NM_006047.6 (MANE Select); coding-DNA position 1747, C replaced by T.
Protein change: p.Gln583Ter; replaces glutamine 583 with a stop codon.
Molecular consequence: nonsense. On other transcripts: 5 prime UTR variant (1), intron variant (5).
Genome position (GRCh38, 1-based): chr20:35,653,576, G>A on the plus strand (C>T on the coding strand, the complement: RBM12 is on the minus strand). VCF-style: chr20-35653576-G-A. GRCh37 (hg19) VCF-style: chr20-34241498-G-A.
Other names: c.1747C>T, p.Gln583Ter (NM_001198838.2, NM_001198840.2, NM_152838.4); c.-34C>T (NM_003915.6); c.-1+11226C>T (NM_001198863.2, NM_152926.3); c.-1+11184C>T (NM_152925.3); c.-1+5354C>T (NM_152928.3, NM_152927.3); short protein forms Q583*.
Identifiers: ClinVar variation 4883720 (VCV004883720.2).